The following is an entry in ClinVar:

ClinVar aggregate classification (germline): Uncertain significance. Review status: criteria provided, multiple submitters, no conflicts (2 of 4 stars). 2 submissions from 2 submitters: Uncertain significance (2). Last evaluated 2017-11-03.

Submissions (2):

GeneDx
Classification: Uncertain significance. Last evaluated: 2017-11-03. Review status: criteria provided, single submitter. Criteria: GeneDx Variant Classification (06012015). Collection method: clinical testing. Allele origin: germline. Affected: yes.
Comment: The c.1276_1287del12 variant in the OS9 gene has not been reported previously as a pathogenic variant nor as a benign variant, to our knowledge. This variant causes an in-frame deletion of 4 amino acids, denoted p.Asp426_Glu429del. Of these 4 deleted amino acids, one residue is conserved across species, one is not conserved, and two occur at a position where amino acids with similar properties are tolerated across species. The c.1276_1287del12 variant is observed in 14/25,792 alleles (0.054%) from individuals of Finnish European background and 77/274,688 total alleles (0.028%) in large population cohorts (Lek et al., 2016). We interpret c.1276_1287del12 as a variant of uncertain significance.

Breakthrough Genomics
Classification: Uncertain significance. Review status: criteria provided, single submitter. Criteria: ACMG Guidelines, 2015. Collection method: not provided. Allele origin: germline. Inheritance: Unknown mechanism. Affected: yes.

NM_006812.4(OS9):c.1264GATGAGGATGAA[1] (p.418DE[4])

Gene: OS9 (OS9 endoplasmic reticulum lectin; plus strand). Cytogenetic location: 12q14.1.
Variant type: Microsatellite.
Coding change: c.1264GATGAGGATGAA[1] on transcript NM_006812.4 (MANE Select); one copy of the 12-base unit GATGAGGATGAA starting at c.1264; the reference has two copies in a row; one copy, 12 bases deleted.
Protein change: p.418DE[4].
Molecular consequence: inframe deletion.
Genome position (GRCh38, 1-based): chr12:57,718,287-57,718,298, GATGAGGATGAA deleted; deleting any 12 consecutive bases within chr12:57,718,275-57,718,298 gives the same sequence; the position shown is the placement nearest the transcript's 3' end. VCF-style (leftmost placement, unchanged base first): chr12-57718274-GGATGAGGATGAA-G. GRCh37 (hg19) VCF-style: chr12-58112057-GGATGAGGATGAA-G.
Other names: c.1264GATGAGGATGAA[1], p.418DE[4] (NM_001017956.3, NM_001017957.3, NM_001017958.3); c.1267GATGAGGATGAA[1], p.419DE[4] (NM_001261420.2); c.1168GATGAGGATGAA[1], p.386DE[4] (NM_001261421.2); c.1108GATGAGGATGAA[1], p.366DE[4] (NM_001261422.2); c.1087GATGAGGATGAA[1], p.359DE[4] (NM_001261423.2).
Identifiers: ClinVar variation 503790 (VCV000503790.3), dbSNP rs547241583, ClinGen allele CA6656350.